The following is an entry in ClinVar:

NM_006269.2(RP1):c.533A>C (p.Gln178Pro)

Gene: RP1 (RP1 axonemal microtubule associated; plus strand). Cytogenetic location: 8q12.1.
Variant type: single nucleotide variant.
Coding change: c.533A>C on transcript NM_006269.2 (MANE Select); coding-DNA position 533, A replaced by C.
Protein change: p.Gln178Pro; replaces glutamine 178 with proline.
Molecular consequence: missense variant.
Genome position (GRCh38, 1-based): chr8:54,621,499, A>C. VCF-style: chr8-54621499-A-C. GRCh37 (hg19) VCF-style: chr8-55534059-A-C.
Other names: c.533A>C, p.Gln178Pro (NM_001375654.1); short protein forms Q178P.
Identifiers: ClinVar variation 3612489 (VCV003612489.2).
Genomic context (GRCh38, chr8:54,621,499, plus strand): 5'-TCTTCAGGAATGGCGACCCGAAGACGAGGCGTGCGGTTCTTCTGAGCAGGAGGGTCACCC[A>C]GAGCTTCGAGGCATTTCTACAGCACCTGACAGAGGTCATGCAGCGCCCTGTGGTCAAGCT-3'
Protein context (NP_006260.1, residues 168-188): RAVLLSRRVT[Gln178Pro]SFEAFLQHLT

ClinVar aggregate classification (germline): Uncertain significance (1 of 4 stars; one submission).

gnomAD v4.1: 7 of 1,614,136 alleles (0.00043%); highest among the groups gnomAD compares: Non-Finnish European, 0.00059%; no homozygotes.

Submission:

Labcorp Genetics (formerly Invitae), Labcorp
Classification: Uncertain significance. Last evaluated: 2024-11-05. Review status: criteria provided, single submitter. Criteria: Invitae Variant Classification Sherloc (09022015). Collection method: clinical testing. Allele origin: germline.
Comment: This sequence change replaces glutamine, which is neutral and polar, with proline, which is neutral and non-polar, at codon 178 of the RP1 protein (p.Gln178Pro). This variant is present in population databases (rs746083374, gnomAD 0.003%). This variant has not been reported in the literature in individuals affected with RP1-related conditions. An algorithm developed to predict the effect of missense changes on protein structure and function (PolyPhen-2) suggests that this variant is likely to be tolerated. In summary, the available evidence is currently insufficient to determine the role of this variant in disease. Therefore, it has been classified as a Variant of Uncertain Significance.